The following is an entry in ClinVar:

NM_032043.3(BRIP1):c.2861A>C (p.Lys954Thr)

Gene: BRIP1 (BRCA1 interacting DNA helicase 1; minus strand). Cytogenetic location: 17q23.2.
Variant type: single nucleotide variant.
Coding change: c.2861A>C on transcript NM_032043.3 (MANE Select); coding-DNA position 2861, A replaced by C.
Protein change: p.Lys954Thr; replaces lysine 954 with threonine.
Molecular consequence: missense variant.
Genome position (GRCh38, 1-based): chr17:61,685,880, T>G on the plus strand (A>C on the coding strand, the complement: BRIP1 is on the minus strand). VCF-style: chr17-61685880-T-G. GRCh37 (hg19) VCF-style: chr17-59763241-T-G.
Other names: short protein forms K954T.
Identifiers: ClinVar variation 1362720 (VCV001362720.9), dbSNP rs2144108739, ClinGen allele CA400481275.

ClinVar aggregate classification (germline): Uncertain significance (1 of 4 stars; one submission).

Conditions:
Familial cancer of breast. Also called: BREAST CANCER, FAMILIAL; hereditary breast carcinoma; Hereditary breast cancer. Identifiers: Orphanet 227535, MedGen C0346153, MONDO:0016419, OMIM 114480. Disease mechanism: loss of function.
Fanconi anemia complementation group J. Also called: BRIP1-Related Fanconi Anemia. Identifiers: Orphanet 84, MedGen C1836860, MONDO:0012187, OMIM 609054.

Submission:

Labcorp Genetics (formerly Invitae), Labcorp
Classification: Uncertain significance for Familial cancer of breast; Fanconi anemia complementation group J. Last evaluated: 2021-06-20. Review status: criteria provided, single submitter. Criteria: Invitae Variant Classification Sherloc (09022015). Collection method: clinical testing. Allele origin: germline.
Comment: In summary, the available evidence is currently insufficient to determine the role of this variant in disease. Therefore, it has been classified as a Variant of Uncertain Significance. Algorithms developed to predict the effect of missense changes on protein structure and function (SIFT, PolyPhen-2, Align-GVGD) all suggest that this variant is likely to be tolerated, but these predictions have not been confirmed by published functional studies and their clinical significance is uncertain. This variant has not been reported in the literature in individuals with BRIP1-related conditions. This variant is not present in population databases (ExAC no frequency). This sequence change replaces lysine with threonine at codon 954 of the BRIP1 protein (p.Lys954Thr). The lysine residue is weakly conserved and there is a moderate physicochemical difference between lysine and threonine.